The following is an entry in ClinVar:

ClinVar aggregate classification (germline): Uncertain significance (0 of 4 stars; one submission).

Conditions:
PIEZO1-related disorder. Also called: PIEZO1-related condition; PIEZO1-Related Disorders.

gnomAD v4.1: 4 of 1,535,744 alleles (0.00026%); highest among the groups gnomAD compares: Admixed American, 0.0059%; no homozygotes.

Submission:

PreventionGenetics, part of Exact Sciences
Classification: Uncertain significance for PIEZO1-related condition. Last evaluated: 2024-06-13. Review status: no assertion criteria provided. Collection method: clinical testing. Allele origin: germline.
Comment: The PIEZO1 c.919G>T variant is predicted to result in the amino acid substitution p.Gly307Cys. To our knowledge, this variant has not been reported in the literature. This variant is reported in 0.0081% of alleles in individuals of Latino descent in gnomAD. At this time, the clinical significance of this variant is uncertain due to the absence of conclusive functional and genetic evidence.

NM_001142864.4(PIEZO1):c.919G>T (p.Gly307Cys)

Genes: HSALR1 (HSP90AB1 associated lncRNA 1; plus strand), PIEZO1 (piezo type mechanosensitive ion channel component 1 (Er blood group); minus strand). Cytogenetic location: 16q24.3.
Variant type: single nucleotide variant.
Coding change: c.919G>T on transcript NM_001142864.4 (MANE Select); coding-DNA position 919, G replaced by T.
Protein change: p.Gly307Cys; replaces glycine 307 with cysteine.
Molecular consequence: missense variant. On other transcripts: non-coding transcript variant (1).
Genome position (GRCh38, 1-based): chr16:88,738,035, C>A on the plus strand (G>T on the coding strand, the complement: PIEZO1 is on the minus strand). VCF-style: chr16-88738035-C-A. GRCh37 (hg19) VCF-style: chr16-88804443-C-A.
Other names: short protein forms G307C.
Identifiers: ClinVar variation 3353059 (VCV003353059.1).